The following is an entry in ClinVar:

ClinVar aggregate classification (germline): Uncertain significance. Review status: criteria provided, multiple submitters, no conflicts (2 of 4 stars). 3 submissions from 3 submitters: Uncertain significance (3). Last evaluated 2024-04-05.

Conditions:
Familial thoracic aortic aneurysm and aortic dissection (TAAD). Also called: Thoracic aortic aneurysms and dissections. Identifiers: Orphanet 91387, MedGen C4707243, MONDO:0019625.

Allele frequency attached by ClinVar (database versions not stated): TOPMed below 0.00001; gnomAD 0.00001.
gnomAD v4.1: 1 of 1,614,026 alleles (0.000062%); highest among the groups gnomAD compares: Non-Finnish European, 0.000085%; no homozygotes.

Submissions (3):

Ambry Genetics
Classification: Uncertain significance for Familial thoracic aortic aneurysm and aortic dissection. Last evaluated: 2024-04-05. Review status: criteria provided, single submitter. Criteria: Ambry Variant Classification Scheme 2023. Collection method: clinical testing. Allele origin: germline.
Comment: The p.M596T variant (also known as c.1787T>C), located in coding exon 14 of the MYH11 gene, results from a T to C substitution at nucleotide position 1787. The methionine at codon 596 is replaced by threonine, an amino acid with similar properties. This amino acid position is conserved. In addition, this alteration is predicted to be deleterious by in silico analysis. Based on the available evidence, the clinical significance of this variant remains unclear.

Color Diagnostics, LLC DBA Color Health
Classification: Uncertain significance for Familial thoracic aortic aneurysm and aortic dissection. Last evaluated: 2024-03-06. Review status: criteria provided, single submitter. Criteria: ACMG Guidelines, 2015. Collection method: clinical testing. Allele origin: germline.
Comment: This missense variant replaces methionine with threonine at codon 603 of the MYH11 protein. Computational prediction suggests that this variant may have deleterious impact on protein structure and function (internally defined REVEL score threshold >= 0.7, PMID: 27666373). To our knowledge, functional studies have not been reported for this variant. This variant has not been reported in individuals affected with MYH11-related disorders in the literature. This variant has not been identified in the general population by the Genome Aggregation Database (gnomAD). The available evidence is insufficient to determine the role of this variant in disease conclusively. Therefore, this variant is classified as a Variant of Uncertain Significance.

All of Us Research Program, National Institutes of Health
Classification: Uncertain significance for Familial thoracic aortic aneurysm and aortic dissection. Last evaluated: 2023-07-10. Review status: criteria provided, single submitter. Criteria: ACMG Guidelines, 2015. Collection method: clinical testing. Allele origin: germline. Inheritance: Autosomal dominant inheritance. Observed: 1 variant allele, 1 heterozygote.
Comment: Variant of Uncertain Significance due to insufficient evidence: This missense variant is located in the myosin motor domain of the MYH11 protein. Computational prediction tools and conservation analyses suggest that this variant may have deleterious impact on the protein function. Computational splicing tools suggest that this variant may not impact the RNA splicing. To our knowledge, functional assays have not been performed for this variant nor has this variant been reported in individuals affected with cardiovascular disorders in the literature. This variant is rare in the general population and has been identified in 0/277264 chromosomes by the Genome Aggregation Database (gnomAD). Available evidence is insufficient to determine the pathogenicity of this variant conclusively.

This study involves interpretation of variants in research participants for the purpose of population health screening. Participant phenotype was not available at the time of variant classification. Additional details can be found in publication PMID: 35346344, PMCID: PMC8962531

NM_002474.3(MYH11):c.1787T>C (p.Met596Thr)

Gene: MYH11 (myosin heavy chain 11; minus strand). Cytogenetic location: 16p13.11.
Variant type: single nucleotide variant.
Coding change: c.1787T>C on transcript NM_002474.3 (MANE Select); coding-DNA position 1787, T replaced by C.
Protein change: p.Met596Thr; replaces methionine 596 with threonine.
Molecular consequence: missense variant.
Genome position (GRCh38, 1-based): chr16:15,753,471, A>G on the plus strand (T>C on the coding strand, the complement: MYH11 is on the minus strand). VCF-style: chr16-15753471-A-G. GRCh37 (hg19) VCF-style: chr16-15847328-A-G.
Other names: c.1808T>C, p.Met603Thr (NM_001040113.2, NM_001040114.2); c.1787T>C, p.Met596Thr (NM_022844.3); c.1787T>C (NM_002474.2); short protein forms M603T, M596T.
Identifiers: ClinVar variation 628861 (VCV000628861.8), dbSNP rs1338996385, ClinGen allele CA394869656.
Genomic context (GRCh38, chr16:15,753,471, plus strand): 5'-GCCACAAACTTGTCGGAGGAGGCATTGAGCAGGGAAGTCACGTTGTCATTCAGCGGGTCC[A>G]TATTCTTGGTCAGCCAGGCACTCGCATTATAGTCCACCTGCCAAGGACACCCTGCTGGTC-3'
Protein context (NP_002465.1, residues 586-606): YNASAWLTKN[Met596Thr]DPLNDNVTSL